The following is an entry in ClinVar:

ClinVar aggregate classification (germline): Uncertain significance (1 of 4 stars; one submission).

gnomAD v4.1: 5 of 1,613,870 alleles (0.00031%); highest among the groups gnomAD compares: Non-Finnish European, 0.00042%; no homozygotes.

Submission:

Women's Health and Genetics/Laboratory Corporation of America, LabCorp
Classification: Uncertain significance. Last evaluated: 2025-12-31. Review status: criteria provided, single submitter. Criteria: LabCorp Variant Classification Summary - May 2015. Collection method: clinical testing. Allele origin: germline.
Comment: Variant summary: SLC3A1 c.371A>G (p.Tyr124Cys) results in a non-conservative amino acid change in the encoded protein sequence. Algorithms developed to predict the effect of missense changes on protein structure and function all suggest that this variant is likely to be disruptive. The variant allele was found at a frequency of 4e-06 in 251460 control chromosomes. The available data on variant occurrences in the general population are insufficient to allow any conclusion about variant significance. c.371A>G has been observed in individual(s) affected with Cystinuria (Font-Llitjos_2005, Gaildrat_2017). These data do not allow any conclusion about variant significance. To our knowledge, no experimental evidence demonstrating an impact on protein function has been reported. The following publications have been ascertained in the context of this evaluation (PMID: 15635077, 28717662). No submitters have cited clinical-significance assessments for this variant to ClinVar. Based on the evidence outlined above, the variant was classified as uncertain significance.

Literature cited by the submitters: PubMed 28717662; PubMed 15635077.

NM_000341.4(SLC3A1):c.371A>G (p.Tyr124Cys)

Gene: SLC3A1 (solute carrier family 3 member 1; plus strand). Cytogenetic location: 2p21.
Variant type: single nucleotide variant.
Coding change: c.371A>G on transcript NM_000341.4 (MANE Select); coding-DNA position 371, A replaced by G.
Protein change: p.Tyr124Cys; replaces tyrosine 124 with cysteine.
Molecular consequence: missense variant.
Genome position (GRCh38, 1-based): chr2:44,275,906, A>G. VCF-style: chr2-44275906-A-G. GRCh37 (hg19) VCF-style: chr2-44503045-A-G.
Other names: short protein forms Y124C.
Identifiers: ClinVar variation 4688665 (VCV004688665.1).